The following is an entry in ClinVar:

ClinVar aggregate classification (germline): Likely benign (1 of 4 stars; one submission).

Allele frequency attached by ClinVar (database versions not stated): 1000 Genomes Project 0.00020; ESP Exome Variant Server 0.00023; 1000 Genomes Project 30x 0.00031; ExAC 0.00036.
gnomAD v4.1: 735 of 1,614,178 alleles (0.046%); highest among the groups gnomAD compares: Non-Finnish European, 0.054%; 3 homozygotes.

Submission:

CeGaT Center for Human Genetics Tuebingen
Classification: Likely benign. Last evaluated: 2022-12-01. Review status: criteria provided, single submitter. Criteria: CeGaT Center For Human Genetics Tuebingen Variant Classification Criteria Version 2. Collection method: clinical testing. Allele origin: germline. Affected: yes. Observed: 1 variant allele.
Comment: CSMD2: BP4, BP7

NM_001281956.2(CSMD2):c.774C>T (p.Phe258=)

Gene: CSMD2 (CUB and Sushi multiple domains 2; minus strand). Cytogenetic location: 1p35.1.
Variant type: single nucleotide variant.
Coding change: c.774C>T on transcript NM_001281956.2 (MANE Select); coding-DNA position 774, C replaced by T.
Protein change: p.Phe258=; no amino-acid change (phenylalanine 258 retained).
Molecular consequence: synonymous variant.
Genome position (GRCh38, 1-based): chr1:33,918,240, G>A on the plus strand (C>T on the coding strand, the complement: CSMD2 is on the minus strand). VCF-style: chr1-33918240-G-A. GRCh37 (hg19) VCF-style: chr1-34383841-G-A.
Other names: c.654C>T, p.Phe218= (NM_052896.5).
Identifiers: ClinVar variation 2638637 (VCV002638637.24), dbSNP rs201021410, ClinGen allele CA753535.
Genomic context (GRCh38, chr1:33,918,240, plus strand): 5'-GTCCCCCAGCTCAGCCAGGATGGTCCATGTGCAGTCGGCATTGTTATGGTACTCCGAGGG[G>A]AAGTGGGGGCTGGAGATGATGCCACTCTGGCCCCGCAGGGTCCCACCACAGGCATCATCA-3'
Protein context (NP_001268885.1, residues 248-268): GQSGIISSPH[Phe258=]PSEYHNNADC